The following is an entry in ClinVar:

ClinVar aggregate classification (germline): Uncertain significance. Review status: criteria provided, multiple submitters, no conflicts (2 of 4 stars). 2 submissions from 2 submitters: Uncertain significance (2). Last evaluated 2025-12-18.

gnomAD v4.1: 83 of 1,557,798 alleles (0.0053%); highest among the groups gnomAD compares: African/African-American, 0.018%; no homozygotes.

Submissions (2):

Labcorp Genetics (formerly Invitae), Labcorp
Classification: Uncertain significance. Last evaluated: 2025-12-18. Review status: criteria provided, single submitter. Criteria: Invitae Variant Classification Sherloc (09022015). Collection method: clinical testing. Allele origin: germline.
Comment: This sequence change replaces glycine, which is neutral and non-polar, with arginine, which is basic and polar, at codon 74 of the YME1L1 protein (p.Gly74Arg). This variant is present in population databases (rs150651145, gnomAD 0.03%). This variant has not been reported in the literature in individuals affected with YME1L1-related conditions. ClinVar contains an entry for this variant (Variation ID: 4203277). An algorithm developed to predict the effect of missense changes on protein structure and function (PolyPhen-2) suggests that this variant is likely to be tolerated. In summary, the available evidence is currently insufficient to determine the role of this variant in disease. Therefore, it has been classified as a Variant of Uncertain Significance.

Ambry Genetics
Classification: Uncertain significance. Last evaluated: 2025-08-22. Review status: criteria provided, single submitter. Criteria: Ambry Variant Classification Scheme 2023. Collection method: clinical testing. Allele origin: germline.

NM_014263.4(YME1L1):c.168+1289G>A

Gene: YME1L1 (YME1 like 1 ATPase; minus strand). Cytogenetic location: 10p12.1.
Variant type: single nucleotide variant.
Coding change: c.168+1289G>A on transcript NM_014263.4 (MANE Select); 1289 bases into the intron after coding-DNA position 168, G replaced by A.
Molecular consequence: intron variant. On other transcripts: missense variant (1).
Genome position (GRCh38, 1-based): chr10:27,147,617, C>T on the plus strand (G>A on the coding strand, the complement: YME1L1 is on the minus strand). VCF-style: chr10-27147617-C-T. GRCh37 (hg19) VCF-style: chr10-27436546-C-T.
Other names: c.220G>A, p.Gly74Arg (NM_139312.3); c.168+1289G>A (NM_001253866.2); short protein forms G74R.
Identifiers: ClinVar variation 4203277 (VCV004203277.2).